The following is an entry in ClinVar:

NM_003611.3(OFD1):c.1543-10A>G

Gene: OFD1 (OFD1 centriole and centriolar satellite protein; plus strand). Cytogenetic location: Xp22.2.
Variant type: single nucleotide variant.
Coding change: c.1543-10A>G on transcript NM_003611.3 (MANE Select); 10 bases into the intron before coding-DNA position 1543, A replaced by G.
Molecular consequence: intron variant.
Genome position (GRCh38, 1-based): chrX:13,758,327, A>G. VCF-style: chrX-13758327-A-G. GRCh37 (hg19) VCF-style: chrX-13776446-A-G.
Other names: c.1123-10A>G (NM_001330210.2); c.1423-10A>G (NM_001330209.2).
Identifiers: ClinVar variation 2950180 (VCV002950180.3), dbSNP rs778940649, ClinGen allele CA10351846.

ClinVar aggregate classification (germline): Uncertain significance (1 of 4 stars; one submission).

Conditions:
Joubert syndrome. Also called: CEREBELLOPARENCHYMAL DISORDER IV; JOUBERT-BOLTSHAUSER SYNDROME; Familial aplasia of the vermis. Identifiers: Orphanet 475, MedGen C5979921, MONDO:0018772.
Orofaciodigital syndrome I (OFD1). Also called: OFDS I; Papillon-Leage and Psaume Syndrome; Oral-Facial-Digital Syndrome Type I. Identifiers: Orphanet 2750, MedGen C1510460, MONDO:0010702, OMIM 311200.

Allele frequency attached by ClinVar (database versions not stated): gnomAD exomes below 0.00001; ExAC 0.00001.
gnomAD v4.1: 2 of 1,125,446 alleles (0.00018%); highest among the groups gnomAD compares: East Asian, 0.006%; no homozygotes.

Submission:

Labcorp Genetics (formerly Invitae), Labcorp
Classification: Uncertain significance for Orofaciodigital syndrome I; Joubert syndrome. Last evaluated: 2023-07-22. Review status: criteria provided, single submitter. Criteria: Invitae Variant Classification Sherloc (09022015). Collection method: clinical testing. Allele origin: germline.
Comment: This sequence change falls in intron 14 of the OFD1 gene. It does not directly change the encoded amino acid sequence of the OFD1 protein. This variant is present in population databases (rs778940649, gnomAD 0.02%). This variant has not been reported in the literature in individuals affected with OFD1-related conditions. Algorithms developed to predict the effect of sequence changes on RNA splicing suggest that this variant may create or strengthen a splice site. In summary, the available evidence is currently insufficient to determine the role of this variant in disease. Therefore, it has been classified as a Variant of Uncertain Significance.